The following is an entry in ClinVar:

NM_005618.4(DLL1):c.2044_2045del (p.Arg682fs)

Genes: DLL1 (delta like canonical Notch ligand 1; minus strand), LOC126859913 (P300/CBP strongly-dependent group 1 enhancer GRCh37_chr6:170591232-170592431; plus strand). Cytogenetic location: 6q27.
Variant type: Deletion.
Coding change: c.2044_2045del on transcript NM_005618.4 (MANE Select); coding-DNA positions 2044 to 2045, 2 bases deleted (AG; older notation c.2044_2045delAG).
Protein change: p.Arg682fs; shifts the reading frame from arginine 682.
Molecular consequence: frameshift variant.
Genome position (GRCh38, 1-based): chr6:170,283,234-170,283,235, CT deleted on the plus strand (AG on the coding strand, the reverse complement: DLL1 is on the minus strand). VCF-style (leftmost placement, unchanged base first): chr6-170283233-CCT-C. GRCh37 (hg19) VCF-style: chr6-170592321-CCT-C.
Other names: c.2044_2045delAG (NM_005618.3); c.2044_2045del (NM_005618.3); short protein forms R682fs.
Identifiers: ClinVar variation 985068 (VCV000985068.16), dbSNP rs1783602877, ClinGen allele CA1097300175.

ClinVar aggregate classification (germline): Conflicting classifications of pathogenicity. Review status: criteria provided, conflicting classifications (1 of 4 stars). 5 submissions from 5 submitters: Pathogenic (2); Likely pathogenic (2); Uncertain significance (1). Last evaluated 2026-08-07.

Conditions:
Neurodevelopmental disorder with nonspecific brain abnormalities and with or without seizures. Identifiers: MedGen C5231470, MONDO:0032877, OMIM 618709.
Inborn genetic diseases. Identifiers: MedGen C0950123, MeSH D030342.

Allele frequency attached by ClinVar (database versions not stated): gnomAD 0.00001; gnomAD exomes below 0.00001.

Submissions (5):

GeneDx
Classification: Uncertain significance. Last evaluated: 2026-08-07. Review status: criteria provided, single submitter. Criteria: GeneDx Variant Classification Process June 2021. Collection method: clinical testing. Allele origin: germline.
Comment: Frameshift variant predicted to result in protein truncation or nonsense mediated decay in a gene for which loss of function is a known mechanism of disease; This variant is associated with the following publications: (PMID: 31353024, 35982159, 33057194)

Labcorp Genetics (formerly Invitae), Labcorp
Classification: Pathogenic. Last evaluated: 2026-01-14. Review status: criteria provided, single submitter. Criteria: Invitae Variant Classification Sherloc (09022015). Collection method: clinical testing. Allele origin: germline.
Comment: This sequence change creates a premature translational stop signal (p.Arg682Glyfs*6) in the DLL1 gene. It is expected to result in an absent or disrupted protein product. Loss-of-function variants in DLL1 are known to be pathogenic (PMID: 31353024). This variant is not present in population databases (gnomAD no frequency). This premature translational stop signal has been observed in individual(s) with DLL1-related conditions (PMID: 33057194). This variant is also known as 6:170592321:CCT:C. ClinVar contains an entry for this variant (Variation ID: 985068). For these reasons, this variant has been classified as Pathogenic.

Laboratorio de Genetica e Diagnostico Molecular, Hospital Israelita Albert Einstein
Classification: Likely pathogenic for Neurodevelopmental disorder with nonspecific brain abnormalities and with or without seizures. Last evaluated: 2023-08-18. Review status: criteria provided, single submitter. Criteria: ACMG Guidelines, 2015. Collection method: clinical testing. Allele origin: germline. Affected: yes.
Comment: ACMG classification criteria: PVS1 very strong, PM2 moderate

Department of Genetics, Rouen University Hospital, Normandy Center for Genomic and Personalized Medicine
Classification: Likely pathogenic for Neurodevelopmental disorder with nonspecific brain abnormalities and with or without seizures. Last evaluated: 2023-07-05. Review status: criteria provided, single submitter. Criteria: ACMG Guidelines, 2015. Collection method: clinical testing. Allele origin: unknown. Affected: yes.

Ambry Genetics
Classification: Pathogenic for Inborn genetic diseases. Last evaluated: 2020-04-27. Review status: criteria provided, single submitter. Criteria: Ambry Variant Classification Scheme 2023. Collection method: clinical testing. Allele origin: germline.
Comment: The alteration results in a premature stop codon: _x000D_ _x000D_ The c.2044_2045delAG (p.R682Gfs*6) alteration, located in coding exon 9 of the DLL1 gene, results from a deletion of 2 nucleotides from position 2044 to 2045, causing a translational frameshift with a predicted alternate stop codon after 6 amino acids. This alteration is expected to result in loss of function by premature protein truncation or nonsense-mediated mRNA decay. The alteration is not observed in population databases: _x000D_ _x000D_ Based on data from the Genome Aggregation Database (gnomAD), the DLL1 c.2044_2045delAG alteration was not observed, with coverage at this position. Based on the available evidence, this alteration is classified as pathogenic.

Literature cited by the submitters: PubMed 31353024 (cited by Labcorp Genetics (formerly Invitae), Labcorp); PubMed 33057194 (cited by Labcorp Genetics (formerly Invitae), Labcorp).